The following is an entry in ClinVar:

NM_015330.6(SPECC1L):c.2800G>A (p.Ala934Thr)

Genes: SPECC1L (sperm antigen with calponin homology and coiled-coil domains 1 like; plus strand), SPECC1L-ADORA2A (SPECC1L-ADORA2A readthrough (NMD candidate); plus strand). Cytogenetic location: 22q11.23.
Variant type: single nucleotide variant.
Coding change: c.2800G>A on transcript NM_015330.6 (MANE Select); coding-DNA position 2800, G replaced by A.
Protein change: p.Ala934Thr; replaces alanine 934 with threonine.
Molecular consequence: missense variant. On other transcripts: non-coding transcript variant (1), 5 prime UTR variant (1).
Genome position (GRCh38, 1-based): chr22:24,363,317, G>A. VCF-style: chr22-24363317-G-A. GRCh37 (hg19) VCF-style: chr22-24759285-G-A.
Other names: c.2800G>A, p.Ala934Thr (NM_001145468.4, NM_001254732.3); c.-3G>A (NM_001254733.2); short protein forms A934T.
Identifiers: ClinVar variation 1983492 (VCV001983492.4), dbSNP rs374902995, ClinGen allele CA322639273.

ClinVar aggregate classification (germline): Uncertain significance (1 of 4 stars; one submission).

Allele frequency attached by ClinVar (database versions not stated): TOPMed 0.00004; gnomAD 0.00005.

Submission:

Labcorp Genetics (formerly Invitae), Labcorp
Classification: Uncertain significance. Last evaluated: 2023-01-20. Review status: criteria provided, single submitter. Criteria: Invitae Variant Classification Sherloc (09022015). Collection method: clinical testing. Allele origin: germline.
Comment: In summary, the available evidence is currently insufficient to determine the role of this variant in disease. Therefore, it has been classified as a Variant of Uncertain Significance. Algorithms developed to predict the effect of missense changes on protein structure and function (SIFT, PolyPhen-2, Align-GVGD) all suggest that this variant is likely to be tolerated. This variant has not been reported in the literature in individuals affected with SPECC1L-related conditions. This variant is present in population databases (rs374902995, gnomAD 0.008%). This sequence change replaces alanine, which is neutral and non-polar, with threonine, which is neutral and polar, at codon 934 of the SPECC1L protein (p.Ala934Thr).